The following is an entry in ClinVar:

NM_006767.4(LZTR1):c.994-6C>T

Gene: LZTR1 (leucine zipper like post translational regulator 1; plus strand). Cytogenetic location: 22q11.21.
Variant type: single nucleotide variant.
Coding change: c.994-6C>T on transcript NM_006767.4 (MANE Select); 6 bases into the intron before coding-DNA position 994, C replaced by T.
Molecular consequence: intron variant.
Genome position (GRCh38, 1-based): chr22:20,992,208, C>T. VCF-style: chr22-20992208-C-T. GRCh37 (hg19) VCF-style: chr22-21346497-C-T.
Identifiers: ClinVar variation 3257379 (VCV003257379.17).

ClinVar aggregate classification (germline): Uncertain significance (1 of 4 stars; one submission).

gnomAD v4.1: 1 of 1,612,730 alleles (0.000062%); highest among the groups gnomAD compares: Non-Finnish European, 0.000085%; no homozygotes.

Submission:

CeGaT Center for Human Genetics Tuebingen
Classification: Uncertain significance. Last evaluated: 2024-07-01. Review status: criteria provided, single submitter. Criteria: CeGaT Center For Human Genetics Tuebingen Variant Classification Criteria Version 2. Collection method: clinical testing. Allele origin: germline. Affected: yes. Observed: 1 variant allele.
Comment: LZTR1: PM2, BP4